The following is an entry in ClinVar:

NM_001042492.3(NF1):c.387G>C (p.Gln129His)

Gene: NF1 (neurofibromin 1; plus strand). Cytogenetic location: 17q11.2.
Variant type: single nucleotide variant.
Coding change: c.387G>C on transcript NM_001042492.3 (MANE Select); coding-DNA position 387, G replaced by C.
Protein change: p.Gln129His; replaces glutamine 129 with histidine.
Molecular consequence: missense variant.
Genome position (GRCh38, 1-based): chr17:31,163,284, G>C. VCF-style: chr17-31163284-G-C. GRCh37 (hg19) VCF-style: chr17-29490302-G-C.
Other names: c.387G>C, p.Gln129His (NM_000267.4, NM_001128147.3); short protein forms Q129H.
Identifiers: ClinVar variation 527454 (VCV000527454.17), dbSNP rs1390215440, ClinGen allele CA398981842.

ClinVar aggregate classification (germline): Conflicting classifications of pathogenicity. Review status: criteria provided, conflicting classifications (1 of 4 stars). 4 submissions from 4 submitters: Uncertain significance (3); Likely benign (1). Last evaluated 2025-10-22.

Conditions:
Cardiovascular phenotype. Identifiers: MedGen CN230736.
Hereditary cancer-predisposing syndrome. Also called: Neoplastic Syndromes, Hereditary; Tumor predisposition; Hereditary neoplastic syndrome; Hereditary Cancer Syndrome. Identifiers: Orphanet 140162, MedGen C0027672, MeSH D009386, MONDO:0015356.
Neurofibromatosis, type 1 (NF1). Also called: VON RECKLINGHAUSEN DISEASE; NEUROFIBROMATOSIS, TYPE I, SOMATIC; Peripheral type neurofibromatosis; Neurofibromatosis, type I. Identifiers: Orphanet 636, MedGen C0027831, MONDO:0018975, OMIM 162200. Disease mechanism: loss of function.

Allele frequency attached by ClinVar (database versions not stated): gnomAD exomes below 0.00001.
gnomAD v4.1: 1 of 1,614,168 alleles (0.000062%); highest among the groups gnomAD compares: Non-Finnish European, 0.000085%; no homozygotes.

Submissions (4):

Labcorp Genetics (formerly Invitae), Labcorp
Classification: Likely benign for Neurofibromatosis, type 1. Last evaluated: 2025-10-22. Review status: criteria provided, single submitter. Criteria: Invitae Variant Classification Sherloc (09022015). Collection method: clinical testing. Allele origin: germline.

Ambry Genetics
Classification: Uncertain significance for Cardiovascular phenotype; Hereditary cancer-predisposing syndrome. Last evaluated: 2024-08-21. Review status: criteria provided, single submitter. Criteria: Ambry Variant Classification Scheme 2023. Collection method: clinical testing. Allele origin: germline.
Comment: The p.Q129H variant (also known as c.387G>C), located in coding exon 4 of the NF1 gene, results from a G to C substitution at nucleotide position 387. The glutamine at codon 129 is replaced by histidine, an amino acid with highly similar properties. This amino acid position is highly conserved in available vertebrate species. In addition, this alteration is predicted to be deleterious by in silico analysis. Since supporting evidence is limited at this time, the clinical significance of this alteration remains unclear.

GeneDx
Classification: Uncertain significance. Last evaluated: 2024-01-07. Review status: criteria provided, single submitter. Criteria: GeneDx Variant Classification Process June 2021. Collection method: clinical testing. Allele origin: germline. Affected: yes.
Comment: Not observed at significant frequency in large population cohorts (gnomAD); In silico analysis supports that this missense variant has a deleterious effect on protein structure/function; Has not been previously published as pathogenic or benign to our knowledge

Genome-Nilou Lab
Classification: Uncertain significance for Neurofibromatosis, type 1. Last evaluated: 2022-03-15. Review status: criteria provided, single submitter. Criteria: ACMG Guidelines, 2015. Collection method: clinical testing. Allele origin: germline. Affected: no.